The following is an entry in ClinVar:

ClinVar aggregate classification (germline): Uncertain significance. Review status: criteria provided, multiple submitters, no conflicts (2 of 4 stars). 2 submissions from 2 submitters: Uncertain significance (2). Last evaluated 2024-12-16.

Conditions:
Creatine transporter deficiency (CCDS1). Also called: CEREBRAL CREATINE DEFICIENCY SYNDROME 1; Creatine Transporter (CRTR) Deficiency; Mental retardation , X-linked with seizures, short stature and midface hypoplasia; Mental retardation , X-linked, with creatine transport deficiency; X-linked creatine transporter deficiency; X-linked creatine deficiency syndrome. Identifiers: Orphanet 52503, MedGen C1845862, MONDO:0010305, OMIM 300352.

Submissions (2):

GeneDx
Classification: Uncertain significance. Last evaluated: 2024-12-16. Review status: criteria provided, single submitter. Criteria: GeneDx Variant Classification Process June 2021. Collection method: clinical testing. Allele origin: germline. Affected: yes.
Comment: Not observed at significant frequency in large population cohorts (gnomAD); In silico analysis supports that this missense variant has a deleterious effect on protein structure/function; Has not been previously published as pathogenic or benign to our knowledge

Labcorp Genetics (formerly Invitae), Labcorp
Classification: Uncertain significance for Creatine transporter deficiency. Last evaluated: 2022-05-31. Review status: criteria provided, single submitter. Criteria: Invitae Variant Classification Sherloc (09022015). Collection method: clinical testing. Allele origin: germline.
Comment: In summary, the available evidence is currently insufficient to determine the role of this variant in disease. Therefore, it has been classified as a Variant of Uncertain Significance. Advanced modeling of protein sequence and biophysical properties (such as structural, functional, and spatial information, amino acid conservation, physicochemical variation, residue mobility, and thermodynamic stability) performed at Invitae indicates that this missense variant is expected to disrupt SLC6A8 protein function. This variant has not been reported in the literature in individuals affected with SLC6A8-related conditions. This variant is not present in population databases (gnomAD no frequency). This sequence change replaces tyrosine, which is neutral and polar, with aspartic acid, which is acidic and polar, at codon 80 of the SLC6A8 protein (p.Tyr80Asp).

NM_005629.4(SLC6A8):c.238T>G (p.Tyr80Asp)

Gene: SLC6A8 (solute carrier family 6 member 8; plus strand). Cytogenetic location: Xq28.
Variant type: single nucleotide variant.
Coding change: c.238T>G on transcript NM_005629.4 (MANE Select); coding-DNA position 238, T replaced by G.
Protein change: p.Tyr80Asp; replaces tyrosine 80 with aspartic acid.
Molecular consequence: missense variant.
Genome position (GRCh38, 1-based): chrX:153,688,812, T>G. VCF-style: chrX-153688812-T-G. GRCh37 (hg19) VCF-style: chrX-152954267-T-G.
Other names: c.238T>G (NM_005629.3); c.238T>G, p.Tyr80Asp (NM_001142805.2); short protein forms Y80D.
Identifiers: ClinVar variation 2001495 (VCV002001495.5), dbSNP rs2522145913, ClinGen allele CA415077048.